The following is an entry in ClinVar:

ClinVar aggregate classification (germline): Uncertain significance. Review status: criteria provided, multiple submitters, no conflicts (2 of 4 stars). 2 submissions from 2 submitters: Uncertain significance (2). Last evaluated 2026-02-08.

Conditions:
IFT74-related disorder. Also called: IFT74-related condition; IFT74-Related Disorders.

Allele frequency attached by ClinVar (database versions not stated): gnomAD exomes below 0.00001 and 0.00001; ExAC 0.00001; gnomAD 0.00008 and 0.00010; TOPMed 0.00017.
gnomAD v4.1: 26 of 1,592,108 alleles (0.0016%); highest among the groups gnomAD compares: Admixed American, 0.017%; no homozygotes.

Submissions (2):

PreventionGenetics, part of Exact Sciences
Classification: Uncertain significance for IFT74-related condition. Last evaluated: 2026-02-08. Review status: criteria provided, single submitter. Criteria: ACMG Guidelines, 2015. Collection method: clinical testing. Allele origin: germline.
Comment: The IFT74 c.1635G>A variant is not predicted to result in an amino acid change (p.=). This variant is predicted to alter splicing based on available splicing prediction programs (SpliceAI, Jaganathan et al. 2019. PubMed ID: 30661751). To our knowledge, this variant has not been reported in the literature. This variant is reported in 0.0016% of alleles in individuals of European (Non-Finnish) descent in gnomAD. At this time, the clinical significance of this variant is uncertain due to the absence of conclusive functional and genetic evidence.

Labcorp Genetics (formerly Invitae), Labcorp
Classification: Uncertain significance. Last evaluated: 2022-09-27. Review status: criteria provided, single submitter. Criteria: Invitae Variant Classification Sherloc (09022015). Collection method: clinical testing. Allele origin: germline.
Comment: This sequence change affects codon 545 of the IFT74 mRNA. It is a 'silent' change, meaning that it does not change the encoded amino acid sequence of the IFT74 protein. This variant is present in population databases (rs750049292, gnomAD 0.01%). This variant has not been reported in the literature in individuals affected with IFT74-related conditions. ClinVar contains an entry for this variant (Variation ID: 1443871). Algorithms developed to predict the effect of sequence changes on RNA splicing suggest that this variant may disrupt the consensus splice site. In summary, the available evidence is currently insufficient to determine the role of this variant in disease. Therefore, it has been classified as a Variant of Uncertain Significance.

NM_025103.4(IFT74):c.1635G>A (p.Leu545=)

Gene: IFT74 (intraflagellar transport 74; plus strand). Cytogenetic location: 9p21.2.
Variant type: single nucleotide variant.
Coding change: c.1635G>A on transcript NM_025103.4 (MANE Select); coding-DNA position 1635, G replaced by A.
Protein change: p.Leu545=; no amino-acid change (leucine 545 retained).
Molecular consequence: synonymous variant.
Genome position (GRCh38, 1-based): chr9:27,060,602, G>A. VCF-style: chr9-27060602-G-A. GRCh37 (hg19) VCF-style: chr9-27060600-G-A.
Other names: c.1635G>A (NM_025103.2); c.1635G>A, p.Leu545= (NM_001099222.3, NM_001099223.3, NM_001349928.2).
Identifiers: ClinVar variation 1443871 (VCV001443871.5), dbSNP rs750049292, ClinGen allele CA5015737.